The following is an entry in ClinVar:

NM_005199.5(CHRNG):c.*477C>A

Genes: TIGD1 (tigger transposable element derived 1; minus strand), CHRNG (cholinergic receptor nicotinic gamma subunit; plus strand). Cytogenetic location: 2q37.1.
Variant type: single nucleotide variant.
Coding change: c.*477C>A on transcript NM_005199.5 (MANE Select); 477 bases downstream of the stop codon, C replaced by A.
Molecular consequence: 3 prime UTR variant.
Genome position (GRCh38, 1-based): chr2:232,546,193, C>A. VCF-style: chr2-232546193-C-A. GRCh37 (hg19) VCF-style: chr2-233410903-C-A.
Identifiers: ClinVar variation 335020 (VCV000335020.6), dbSNP rs59295139, ClinGen allele CA10614850.
Genomic context (GRCh38, chr2:232,546,193, plus strand): 5'-AGTAGCAGCCGATGCTCTCTCCAAAGCAGGGCAGCAGCCCATACCAGCTGGCATCTCCCC[C>A]CCGTGCCTTCTGGGTACAATAAGCACCCAATTCTCAACAGCCCCAGTGGCCTTTCCATTC-3'

ClinVar aggregate classification (germline): Benign/Likely benign. Review status: criteria provided, multiple submitters, no conflicts (2 of 4 stars). 3 submissions from 2 submitters: Benign (1); Likely benign (2). Last evaluated 2018-01-13.

Conditions:
Lethal multiple pterygium syndrome (LMPS). Identifiers: Orphanet 33108, MedGen C1854678, MONDO:0009668, OMIM 253290.
Autosomal recessive multiple pterygium syndrome. Also called: PTERYGIUM COLLI SYNDROME; PTERYGIUM SYNDROME; PTERYGIUM UNIVERSALE; MULTIPLE PTERYGIUM SYNDROME, ESCOBAR VARIANT. Identifiers: Orphanet 2990, MedGen C0265261, MONDO:0009926, OMIM 265000.

Allele frequency attached by ClinVar (database versions not stated): TOPMed 0.02478; 1000 Genomes Project 30x 0.03670; 1000 Genomes Project 0.04113.
gnomAD v4.1: 5,129 of 221,794 alleles (2.3%); highest among the groups gnomAD compares: East Asian, 8.4%; 128 homozygotes.

Submissions (3):

Illumina Laboratory Services, Illumina
Classification: Likely benign for Autosomal recessive multiple pterygium syndrome. Last evaluated: 2018-01-13. Review status: criteria provided, single submitter. Criteria: ICSL Variant Classification Criteria 13 December 2019. Collection method: clinical testing. Allele origin: germline.
Comment: This variant was observed in the ICSL laboratory as part of a predisposition screen in an ostensibly healthy population. It had not been previously curated by ICSL or reported in the Human Gene Mutation Database (HGMD: prior to June 1st, 2018), and was therefore a candidate for classification through an automated scoring system. Utilizing variant allele frequency, disease prevalence and penetrance estimates, and inheritance mode, an automated score was calculated to assess if this variant is too frequent to cause the disease. Based on the score and internal cut-off values, a variant classified as likely benign is not then subjected to further curation. The score for this variant resulted in a classification of likely benign for this disease.

Illumina Laboratory Services, Illumina
Classification: Benign for Lethal multiple pterygium syndrome. Last evaluated: 2018-01-13. Review status: criteria provided, single submitter. Criteria: ICSL Variant Classification Criteria 13 December 2019. Collection method: clinical testing. Allele origin: germline.
Comment: This variant was observed in the ICSL laboratory as part of a predisposition screen in an ostensibly healthy population. It had not been previously curated by ICSL or reported in the Human Gene Mutation Database (HGMD: prior to June 1st, 2018), and was therefore a candidate for classification through an automated scoring system. Utilizing variant allele frequency, disease prevalence and penetrance estimates, and inheritance mode, an automated score was calculated to assess if this variant is too frequent to cause the disease. Based on the score and internal cut-off values, a variant classified as benign is not then subjected to further curation. The score for this variant resulted in a classification of benign for this disease.

Breakthrough Genomics
Classification: Likely benign. Review status: criteria provided, single submitter. Criteria: ACMG Guidelines, 2015. Collection method: not provided. Allele origin: germline. Inheritance: Autosomal recessive inheritance. Affected: yes.